The following is an entry in ClinVar:

NM_001394062.1(MACF1):c.7476G>C (p.Glu2492Asp)

Gene: MACF1 (microtubule actin crosslinking factor 1; plus strand). Cytogenetic location: 1p34.3.
Variant type: single nucleotide variant.
Coding change: c.7476G>C on transcript NM_001394062.1 (MANE Select); coding-DNA position 7476, G replaced by C.
Protein change: p.Glu2492Asp; replaces glutamic acid 2492 with aspartic acid.
Molecular consequence: missense variant. On other transcripts: intron variant (1).
Genome position (GRCh38, 1-based): chr1:39,334,064, G>C. VCF-style: chr1-39334064-G-C. GRCh37 (hg19) VCF-style: chr1-39799736-G-C.
Other names: c.4629+6711G>C (NM_012090.5); short protein forms E2492D.
Identifiers: ClinVar variation 4881629 (VCV004881629.2).

ClinVar aggregate classification (germline): Uncertain significance (1 of 4 stars; one submission).

Conditions:
Lissencephaly 9 with complex brainstem malformation. Identifiers: Orphanet 572013, MedGen C5193029, MONDO:0032677, OMIM 618325.

Submission:

Dasa
Classification: Uncertain significance for Lissencephaly 9 with complex brainstem malformation. Last evaluated: 2025-08-08. Review status: criteria provided, single submitter. Criteria: DASA Assertion Criteria. Collection method: clinical testing. Allele origin: germline.
Comment: NM_001394062.1(MACF1):c.7476G>C (p.Glu2492Asp) is a missense variant that results in the substitution of glutamic acid with aspartic acid. This variant is absent from population databases. Computational prediction algorithms are consistent with a benign effect. The currently available literature and clinical evidence are not sufficient to establish a definitive association between this variant and the reported condition. Therefore, this variant is classified as a variant of uncertain significance.